The following is an entry in ClinVar:

NM_001379286.1(ZNF423):c.2861G>A (p.Arg954Gln)

Gene: ZNF423 (zinc finger protein 423; minus strand). Cytogenetic location: 16q12.1.
Variant type: single nucleotide variant.
Coding change: c.2861G>A on transcript NM_001379286.1 (MANE Select); coding-DNA position 2861, G replaced by A.
Protein change: p.Arg954Gln; replaces arginine 954 with glutamine.
Molecular consequence: missense variant.
Genome position (GRCh38, 1-based): chr16:49,636,315, C>T on the plus strand (G>A on the coding strand, the complement: ZNF423 is on the minus strand). VCF-style: chr16-49636315-C-T. GRCh37 (hg19) VCF-style: chr16-49670226-C-T.
Other names: c.2657G>A, p.Arg886Gln (NM_001271620.2); c.2486G>A, p.Arg829Gln (NM_001330533.2); c.2837G>A, p.Arg946Gln (NM_015069.5); short protein forms R946Q, R829Q, R886Q, R954Q.
Identifiers: ClinVar variation 2163609 (VCV002163609.2), dbSNP rs757677116, ClinGen allele CA8046419.

ClinVar aggregate classification (germline): Uncertain significance (1 of 4 stars; one submission).

Conditions:
Nephronophthisis 14 (NPHP14). Identifiers: Orphanet 2318, MedGen C3539071, MONDO:0013916, OMIM 614844.

Allele frequency attached by ClinVar (database versions not stated): gnomAD 0.00001; TOPMed 0.00001; gnomAD exomes 0.00005; ExAC 0.00013.
gnomAD v4.1: 85 of 1,612,524 alleles (0.0053%); highest among the groups gnomAD compares: South Asian, 0.075%; no homozygotes.

Submission:

Labcorp Genetics (formerly Invitae), Labcorp
Classification: Uncertain significance for Nephronophthisis 14. Last evaluated: 2024-02-26. Review status: criteria provided, single submitter. Criteria: Invitae Variant Classification Sherloc (09022015). Collection method: clinical testing. Allele origin: germline.
Comment: This sequence change replaces arginine, which is basic and polar, with glutamine, which is neutral and polar, at codon 946 of the ZNF423 protein (p.Arg946Gln). This variant is present in population databases (rs757677116, gnomAD 0.1%). This variant has not been reported in the literature in individuals affected with ZNF423-related conditions. ClinVar contains an entry for this variant (Variation ID: 2163609). Advanced modeling of protein sequence and biophysical properties (such as structural, functional, and spatial information, amino acid conservation, physicochemical variation, residue mobility, and thermodynamic stability) performed at Invitae indicates that this missense variant is not expected to disrupt ZNF423 protein function with a negative predictive value of 80%. In summary, the available evidence is currently insufficient to determine the role of this variant in disease. Therefore, it has been classified as a Variant of Uncertain Significance.